The following is an entry in ClinVar:

ClinVar aggregate classification (germline): Uncertain significance. Review status: criteria provided, multiple submitters, no conflicts (2 of 4 stars). 4 submissions from 4 submitters: Uncertain significance (4). Last evaluated 2025-05-19.

Conditions:
Arrhythmogenic cardiomyopathy with wooly hair and keratoderma. Also called: Dilated cardiomyopathy with woolly hair and keratoderma; PALMOPLANTAR KERATODERMA WITH LEFT VENTRICULAR CARDIOMYOPATHY AND WOOLLY HAIR; Carvajal syndrome; Arrhythmogenic cardiomyopathy with woolly hair and keratoderma. Identifiers: Orphanet 65282, MedGen C1854063, MONDO:0011581, OMIM 605676.
Arrhythmogenic right ventricular dysplasia 8 (ARVD8). Also called: Arrhythmogenic Right Ventricular Dysplasia/Cardiomyopathy 8; ARRHYTHMOGENIC RIGHT VENTRICULAR DYSPLASIA, FAMILIAL, 8; ARRHYTHMOGENIC RIGHT VENTRICULAR CARDIOMYOPATHY 8. Identifiers: MedGen C1843896, MONDO:0011831, OMIM 607450.
Cardiomyopathy (CMYO). Also called: Cardiomyopathies. Identifiers: Orphanet 167848, MedGen C0878544, MONDO:0004994, HP:0001638. Inheritance: Various modes of inheritance.
Cardiovascular phenotype. Identifiers: MedGen CN230736.

Submissions (4):

Labcorp Genetics (formerly Invitae), Labcorp
Classification: Uncertain significance for Arrhythmogenic cardiomyopathy with wooly hair and keratoderma; Arrhythmogenic right ventricular dysplasia 8. Last evaluated: 2025-05-19. Review status: criteria provided, single submitter. Criteria: Invitae Variant Classification Sherloc (09022015). Collection method: clinical testing. Allele origin: germline.
Comment: This sequence change replaces glutamine, which is neutral and polar, with glutamic acid, which is acidic and polar, at codon 133 of the DSP protein (p.Gln133Glu). This variant is not present in population databases (gnomAD no frequency). This variant has not been reported in the literature in individuals affected with DSP-related conditions. ClinVar contains an entry for this variant (Variation ID: 1736681). An algorithm developed to predict the effect of missense changes on protein structure and function (PolyPhen-2) suggests that this variant is likely to be tolerated. In summary, the available evidence is currently insufficient to determine the role of this variant in disease. Therefore, it has been classified as a Variant of Uncertain Significance.

All of Us Research Program, National Institutes of Health
Classification: Uncertain significance for Arrhythmogenic cardiomyopathy with wooly hair and keratoderma. Last evaluated: 2024-02-22. Review status: criteria provided, single submitter. Criteria: ACMG Guidelines, 2015. Collection method: clinical testing. Allele origin: germline. Inheritance: Autosomal dominant inheritance. Observed: 1 variant allele, 1 heterozygote.
Comment: This missense variant replaces glutamine with glutamic acid at codon 133 of the DSP protein. Computational prediction suggests that this variant may not impact protein structure and function (internally defined REVEL score threshold <= 0.5, PMID: 27666373). To our knowledge, functional studies have not been reported for this variant. This variant has not been reported in individuals affected with DSP-related disorders in the literature. This variant has not been identified in the general population by the Genome Aggregation Database (gnomAD). The available evidence is insufficient to determine the role of this variant in disease conclusively. Therefore, this variant is classified as a Variant of Uncertain Significance.

This study involves interpretation of variants in research participants for the purpose of population health screening. Participant phenotype was not available at the time of variant classification. Additional details can be found in publication PMID: 35346344, PMCID: PMC8962531

Color Diagnostics, LLC DBA Color Health
Classification: Uncertain significance for Cardiomyopathy. Last evaluated: 2024-02-14. Review status: criteria provided, single submitter. Criteria: ACMG Guidelines, 2015. Collection method: clinical testing. Allele origin: germline.
Comment: This missense variant replaces glutamine with glutamic acid at codon 133 of the DSP protein. Computational prediction suggests that this variant may not impact protein structure and function (internally defined REVEL score threshold <= 0.5, PMID: 27666373). To our knowledge, functional studies have not been reported for this variant. This variant has not been reported in individuals affected with DSP-related disorders in the literature. This variant has not been identified in the general population by the Genome Aggregation Database (gnomAD). The available evidence is insufficient to determine the role of this variant in disease conclusively. Therefore, this variant is classified as a Variant of Uncertain Significance.

Ambry Genetics
Classification: Uncertain significance for Cardiovascular phenotype. Last evaluated: 2020-09-16. Review status: criteria provided, single submitter. Criteria: Ambry Variant Classification Scheme 2023. Collection method: clinical testing. Allele origin: germline.
Comment: The p.Q133E variant (also known as c.397C>G), located in coding exon 3 of the DSP gene, results from a C to G substitution at nucleotide position 397. The glutamine at codon 133 is replaced by glutamic acid, an amino acid with highly similar properties. This amino acid position is highly conserved in available vertebrate species. In addition, the in silico prediction for this alteration is inconclusive. Since supporting evidence is limited at this time, the clinical significance of this alteration remains unclear.

NM_004415.4(DSP):c.397C>G (p.Gln133Glu)

Gene: DSP (desmoplakin; plus strand). Cytogenetic location: 6p24.3.
Variant type: single nucleotide variant.
Coding change: c.397C>G on transcript NM_004415.4 (MANE Select); coding-DNA position 397, C replaced by G.
Protein change: p.Gln133Glu; replaces glutamine 133 with glutamic acid.
Molecular consequence: missense variant.
Genome position (GRCh38, 1-based): chr6:7,558,239, C>G. VCF-style: chr6-7558239-C-G. GRCh37 (hg19) VCF-style: chr6-7558472-C-G.
Other names: c.397C>G, p.Gln133Glu (NM_001008844.3, NM_001319034.2, NM_001406591.1); short protein forms Q133E.
Identifiers: ClinVar variation 1736681 (VCV001736681.8), dbSNP rs868854123, ClinGen allele CA362671373.